The following is an entry in ClinVar:

NM_001170629.2(CHD8):c.6853AAG[2] (p.Lys2287del)

Genes: CHD8 (chromodomain helicase DNA binding protein 8; minus strand), LOC126861888 (CDK7 strongly-dependent group 2 enhancer GRCh37_chr14:21859227-21860426; plus strand). Cytogenetic location: 14q11.2.
Variant type: Microsatellite.
Coding change: c.6853AAG[2] on transcript NM_001170629.2 (MANE Select); two copies in a row of the 3-base unit AAG starting at c.6853; the reference has three copies in a row; one copy, 3 bases deleted.
Protein change: p.Lys2287del; deletes lysine 2287.
Molecular consequence: inframe deletion.
Genome position (GRCh38, 1-based): chr14:21,391,857-21,391,859, CTT deleted on the plus strand (AAG on the coding strand, the reverse complement: CHD8 is on the minus strand); deleting any 3 consecutive bases within chr14:21,391,857-21,391,865 gives the same sequence; the position shown is the placement nearest the transcript's 3' end. VCF-style (leftmost placement, unchanged base first): chr14-21391856-CCTT-C. GRCh37 (hg19) VCF-style: chr14-21860015-CCTT-C.
Other names: c.6859_6861delAAG (NM_001170629.2, NM_001170629.1); c.6016AAG[2], p.Lys2008del (NM_020920.4); short protein forms K2008del, K2287del.
Identifiers: ClinVar variation 1678567 (VCV001678567.7), dbSNP rs755776815, ClinGen allele CA7090666.
Genomic context (GRCh38, chr14:21,391,856, plus strand): 5'-TCTAATCGTCAGGTTAAAGACTTTCTCTACCACTCACCTCTACTAGCTTCTTTCTGTTCC[CCTT>C]CTTCTTATGAAACAGTGGATGTCCATCTCCCATTACTCCATTCGCCATCAACTTGTGCTT-3'

ClinVar aggregate classification (germline): Uncertain significance. Review status: criteria provided, multiple submitters, no conflicts (2 of 4 stars). 5 submissions from 5 submitters: Uncertain significance (5). Last evaluated 2023-10-03.

Conditions:
Neurodevelopmental disorder. Identifiers: MedGen C1535926, MeSH D065886, MONDO:0700092.
Intellectual developmental disorder with autism and macrocephaly. Also called: Autism, susceptibility to, 18; CHD8-Related Neurodevelopmental Disorder with Overgrowth. Identifiers: Orphanet 642675, MedGen C3554373, MONDO:0014017, OMIM 615032.

Submissions (5):

Labcorp Genetics (formerly Invitae), Labcorp
Classification: Uncertain significance. Last evaluated: 2023-10-03. Review status: criteria provided, single submitter. Criteria: Invitae Variant Classification Sherloc (09022015). Collection method: clinical testing. Allele origin: germline.
Comment: This variant, c.6859_6861del, results in the deletion of 1 amino acid(s) of the CHD8 protein (p.Lys2287del), but otherwise preserves the integrity of the reading frame. This variant is present in population databases (rs755776815, gnomAD 0.05%). This variant has been observed in individual(s) with clinical features of CHD8-related conditions (PMID: 24998929, 31980904). ClinVar contains an entry for this variant (Variation ID: 1678567). Experimental studies and prediction algorithms are not available or were not evaluated, and the functional significance of this variant is currently unknown. In summary, the available evidence is currently insufficient to determine the role of this variant in disease. Therefore, it has been classified as a Variant of Uncertain Significance.

GeneDx
Classification: Uncertain significance. Last evaluated: 2022-06-14. Review status: criteria provided, single submitter. Criteria: GeneDx Variant Classification Process June 2021. Collection method: clinical testing. Allele origin: germline. Affected: yes.
Comment: Reported in a child with intellectual disability and ADHD in published literature (Bernier et al., 2014); In-frame deletion of 1 amino acid in a non-repeat region; In silico analysis supports a deleterious effect on protein structure/function; This variant is associated with the following publications: (PMID: 32267004, 24998929)

Mendelics
Classification: Uncertain significance. Last evaluated: 2022-05-04. Review status: criteria provided, single submitter. Criteria: Mendelics Assertion Criteria 2019. Collection method: clinical testing. Allele origin: germline.

Molecular Genetics, Royal Melbourne Hospital
Classification: Uncertain significance for Intellectual developmental disorder with autism and macrocephaly. Last evaluated: 2022-04-22. Review status: criteria provided, single submitter. Criteria: ACMG Guidelines, 2015. Collection method: clinical testing. Allele origin: germline.
Comment: This sequence change is an inframe deletion of 3 bp predicted to cause the deletion of lysine at position 2287 of the CHD8 protein, p.(Lys2287del). The region deleted is highly conserved (100 vertebrates, UCSC), and is located in a lysine triplet repeat in a region of with no known functional domain. The variant is present in a large population cohort at a frequency of 0.004% (rs755776815, 11/249,228 alleles, 0 homozygotes in gnomAD v2.1), and has been identified in an individual with intellectual disability and attention deficit hyperactivity disorder (PMID: 24998929). Based on the classification scheme RMH ACMG Guidelines v1.2.1, this variant is classified as a VARIANT OF UNCERTAIN SIGNIFICANCE. No criteria are met.

Victorian Clinical Genetics Services, Murdoch Childrens Research Institute
Classification: Uncertain significance for Neurodevelopmental disorder. Last evaluated: 2021-05-06. Review status: criteria provided, single submitter. Criteria: ACMG Guidelines, 2015. Collection method: clinical testing. Allele origin: germline. Inheritance: Autosomal dominant inheritance.
Comment: Based on the classification scheme VCGS_Germline_v1.3.4, this variant is classified as VUS-3C. Following criteria are met: 0102 - Loss of function is a known mechanism of disease in this gene and is associated with CHD8-related neurodevelopmental disorder. (I) 0107 - This gene is associated with autosomal dominant disease. (I) 0112 - The condition associated with this gene has incomplete penetrance. Some variants were inherited from an unaffected parent, in which case the proband usually had a mild phenotype (PMID: 24998929). (I) 0213 - In-frame insertion/deletion in a non-repetitive region that has moderate conservation. (SP) 0251 - This variant is heterozygous. (I) 0302 - Variant is present in gnomAD (v2) <0.001 for a dominant condition (11 heterozygotes, 0 homozygotes). (SP) 0309 - An alternative amino acid change at the same position has been observed in gnomAD (v3) (1 heterozygote, 0 homozygotes). (I) 0604 - Variant is not located in an established domain, motif, hotspot or informative constraint region. (I) 0705 - No comparable variants have previous evidence for pathogenicity. (I) 0803 - This variant has limited previous evidence of pathogenicity in an individual with autism spectrum disorder, intellectual disability and attention deficit hyperactivity disorder (PMID: 24998929). (SP) 0905 - No published segregation evidence has been identified for this variant. (I) 1007 - No published functional evidence has been identified for this variant. (I) Legend: (SP) - Supporting pathogenic, (I) - Information, (SB) - Supporting benign

Literature cited by the submitters: PubMed 24998929 (cited by 3 submitters); PubMed 31980904 (cited by Labcorp Genetics (formerly Invitae), Labcorp).